The following is an entry in ClinVar:

NM_173660.5(DOK7):c.1459G>C (p.Ala487Pro)

Gene: DOK7 (docking protein 7; plus strand). Cytogenetic location: 4p16.3.
Variant type: single nucleotide variant.
Coding change: c.1459G>C on transcript NM_173660.5 (MANE Select); coding-DNA position 1459, G replaced by C.
Protein change: p.Ala487Pro; replaces alanine 487 with proline.
Molecular consequence: missense variant. On other transcripts: 3 prime UTR variant (1).
Genome position (GRCh38, 1-based): chr4:3,493,445, G>C. VCF-style: chr4-3493445-G-C. GRCh37 (hg19) VCF-style: chr4-3495172-G-C.
Other names: c.*680G>C (NM_001164673.2); c.529G>C, p.Ala177Pro (NM_001256896.2); c.1459G>C, p.Ala487Pro (NM_001301071.2); c.1027G>C, p.Ala343Pro (NM_001363811.2); short protein forms A177P, A343P, A487P.
Identifiers: ClinVar variation 1042286 (VCV001042286.7), dbSNP rs751342277, ClinGen allele CA2829532.

ClinVar aggregate classification (germline): Uncertain significance (1 of 4 stars; one submission).

Conditions:
Congenital myasthenic syndrome 10. Also called: Myasthenia, limb-girdle, familial. Identifiers: Orphanet 590, MedGen C1850792, MONDO:0009690, OMIM 254300.
Fetal akinesia deformation sequence 1 (FADS1). Also called: Pena-Shokeir syndrome type I; Fetal akinesia sequence. Identifiers: Orphanet 994, MedGen C1276035, MONDO:0100101, OMIM 208150, HP:0001989.

Allele frequency attached by ClinVar (database versions not stated): TOPMed below 0.00001.
gnomAD v4.1: 16 of 1,608,570 alleles (0.00099%); highest among the groups gnomAD compares: Admixed American, 0.027%; no homozygotes.

Submission:

Labcorp Genetics (formerly Invitae), Labcorp
Classification: Uncertain significance for Congenital myasthenic syndrome 10; Fetal akinesia deformation sequence 1. Last evaluated: 2025-08-18. Review status: criteria provided, single submitter. Criteria: Invitae Variant Classification Sherloc (09022015). Collection method: clinical testing. Allele origin: germline.
Comment: This sequence change replaces alanine, which is neutral and non-polar, with proline, which is neutral and non-polar, at codon 487 of the DOK7 protein (p.Ala487Pro). This variant is present in population databases (rs751342277, gnomAD 0.04%). This variant has not been reported in the literature in individuals affected with DOK7-related conditions. ClinVar contains an entry for this variant (Variation ID: 1042286). Invitae Evidence Modeling of protein sequence and biophysical properties (such as structural, functional, and spatial information, amino acid conservation, physicochemical variation, residue mobility, and thermodynamic stability) indicates that this missense variant is not expected to disrupt DOK7 protein function with a negative predictive value of 80%. In summary, the available evidence is currently insufficient to determine the role of this variant in disease. Therefore, it has been classified as a Variant of Uncertain Significance.